The following is an entry in ClinVar:

ClinVar aggregate classification (germline): Uncertain significance (1 of 4 stars; one submission).

Allele frequency attached by ClinVar (database versions not stated): ESP Exome Variant Server 0.00008; gnomAD 0.00017.
gnomAD v4.1: 300 of 1,583,596 alleles (0.019%); highest among the groups gnomAD compares: Non-Finnish European, 0.023%; no homozygotes.

Submission:

CeGaT Center for Human Genetics Tuebingen
Classification: Uncertain significance. Last evaluated: 2023-01-01. Review status: criteria provided, single submitter. Criteria: CeGaT Center For Human Genetics Tuebingen Variant Classification Criteria Version 2. Collection method: clinical testing. Allele origin: germline. Affected: yes. Observed: 1 variant allele.
Comment: SPAG17: PM2, BP7

NM_206996.4(SPAG17):c.2370G>A (p.Pro790=)

Gene: SPAG17 (sperm associated antigen 17; minus strand). Cytogenetic location: 1p12.
Variant type: single nucleotide variant.
Coding change: c.2370G>A on transcript NM_206996.4 (MANE Select); coding-DNA position 2370, G replaced by A.
Protein change: p.Pro790=; no amino-acid change (proline 790 retained).
Molecular consequence: synonymous variant.
Genome position (GRCh38, 1-based): chr1:118,073,869, C>T on the plus strand (G>A on the coding strand, the complement: SPAG17 is on the minus strand). VCF-style: chr1-118073869-C-T. GRCh37 (hg19) VCF-style: chr1-118616492-C-T.
Identifiers: ClinVar variation 2639037 (VCV002639037.24), dbSNP rs368322210, ClinGen allele CA1034010.